The following is an entry in ClinVar:

ClinVar aggregate classification (germline): Pathogenic (1 of 4 stars; one submission).

Submission:

GeneDx
Classification: Pathogenic. Last evaluated: 2019-01-02. Review status: criteria provided, single submitter. Criteria: GeneDx Variant Classification (06012015). Collection method: clinical testing. Allele origin: germline. Affected: yes.
Comment: The c.1021delA variant in the TLK2 gene has not been reported previously as a pathogenic variant nor as a benign variant, to our knowledge. The c.1021delA variant causes a frameshift starting with codon Methionine 341, changes this amino acid to a Cysteine residue, and creates a premature Stop codon at position 2 of the new reading frame, denoted p.Met341CysfsX2. This variant is predicted to cause loss of normal protein function either through protein truncation or nonsense-mediated mRNA decay. The c.1021delA variant is not observed in large population cohorts (Lek et al., 2016). We interpret c.1021delA as a pathogenic variant.

NM_006852.6(TLK2):c.1021del (p.Met341fs)

Gene: TLK2 (tousled like kinase 2; plus strand). Cytogenetic location: 17q23.2.
Variant type: Deletion.
Coding change: c.1021del on transcript NM_006852.6 (MANE Select); coding-DNA position 1021, one base deleted (A; older notation c.1021delA).
Protein change: p.Met341fs; shifts the reading frame from methionine 341.
Molecular consequence: frameshift variant.
Genome position (GRCh38, 1-based): chr17:62,573,267, A deleted; the last of 4 consecutive A bases (chr17:62,573,264-62,573,267); deleting any one gives the same sequence. VCF-style (leftmost placement, unchanged base first): chr17-62573263-GA-G. GRCh37 (hg19) VCF-style: chr17-60650624-GA-G.
Other names: c.1021del, p.Met341fs (NM_001284333.3, NM_001375270.1, NM_001375271.1); c.925del, p.Met309fs (NM_001284363.1, NM_001375272.1); c.574del, p.Met192fs (NM_001330418.3, NM_001375273.1); c.1063del, p.Met355fs (NM_001375269.1); short protein forms M192fs, M355fs, M309fs, M341fs.
Identifiers: ClinVar variation 817367 (VCV000817367.1), dbSNP rs1598676325, ClinGen allele CA915950722.